The following is an entry in ClinVar:

NM_144999.4(LRRC45):c.413G>A (p.Gly138Glu)

Gene: LRRC45 (leucine rich repeat containing 45; plus strand). Cytogenetic location: 17q25.3.
Variant type: single nucleotide variant.
Coding change: c.413G>A on transcript NM_144999.4 (MANE Select); coding-DNA position 413, G replaced by A.
Protein change: p.Gly138Glu; replaces glycine 138 with glutamic acid.
Molecular consequence: missense variant.
Genome position (GRCh38, 1-based): chr17:82,025,059, G>A. VCF-style: chr17-82025059-G-A. GRCh37 (hg19) VCF-style: chr17-79982935-G-A.
Other names: short protein forms G138E.
Identifiers: ClinVar variation 4992163 (VCV004992163.1).

ClinVar aggregate classification (germline): Uncertain significance (1 of 4 stars; one submission).

Conditions:
LRRC45-related disorder. Also called: LRRC45-related condition.

Submission:

PreventionGenetics, part of Exact Sciences
Classification: Uncertain significance for LRRC45-related condition. Last evaluated: 2025-08-28. Review status: criteria provided, single submitter. Criteria: ACMG Guidelines, 2015. Collection method: clinical testing. Allele origin: germline.
Comment: The LRRC45 c.413G>A variant is predicted to result in the amino acid substitution p.Gly138Glu. To our knowledge, this variant has not been reported in the literature or in a large population database (gnomAD), indicating this variant is rare. At this time, the clinical significance of this variant is uncertain due to the absence of conclusive functional and genetic evidence.